The following is an entry in ClinVar:

ClinVar aggregate classification (germline): Uncertain significance (1 of 4 stars; one submission).

gnomAD v4.1: 19 of 764,780 alleles (0.0025%); highest among the groups gnomAD compares: Non-Finnish European, 0.0036%; no homozygotes.

Submission:

Labcorp Genetics (formerly Invitae), Labcorp
Classification: Uncertain significance. Last evaluated: 2025-04-19. Review status: criteria provided, single submitter. Criteria: Invitae Variant Classification Sherloc (09022015). Collection method: clinical testing. Allele origin: germline.
Comment: This variant occurs in the SNORD118 gene, which encodes an RNA molecule that does not result in a protein product. This variant is present in population databases (no rsID available, gnomAD 0.006%). This variant has not been reported in the literature in individuals affected with SNORD118-related conditions. Experimental studies and prediction algorithms are not available or were not evaluated, and the functional significance of this variant is currently unknown. In summary, the available evidence is currently insufficient to determine the role of this variant in disease. Therefore, it has been classified as a Variant of Uncertain Significance.

NR_033294.2(SNORD118):n.15T>A

Genes: SNORD118 (small nucleolar RNA, C/D box 118; minus strand), TMEM107 (transmembrane protein 107; minus strand). Cytogenetic location: 17p13.1.
Variant type: single nucleotide variant.
Molecular consequence: non-coding transcript variant (on NR_033294.2). On other transcripts: 3 prime UTR variant (5).
Genome position: GRCh38 VCF-style: chr17-8173574-A-T. GRCh37 (hg19) VCF-style: chr17-8076892-A-T.
Other names: c.*629T>A (NM_001351278.2, NM_001351279.2, NM_001351280.2 and 2 more transcripts).
Identifiers: ClinVar variation 4696397 (VCV004696397.1).
Genomic context (GRCh38, chr17:8,173,574, plus strand): 5'-TCATGCATCTCCAATCATCATGTTCTAATCTGCCCTCCGGAGGAGGAACAGGTAAGGATT[A>T]TCCCACCTGACGATACAGACAAACAGCCGACATTCTGCACTCAGTGAAAAAGATTCCGTT-3'